The following is an entry in ClinVar:

ClinVar aggregate classification (germline): Benign. Review status: criteria provided, multiple submitters, no conflicts (2 of 4 stars). 2 submissions from 2 submitters: Benign (2). Last evaluated 2018-06-16.

Allele frequency attached by ClinVar (database versions not stated): gnomAD 0.02962; 1000 Genomes Project 0.03115; 1000 Genomes Project 30x 0.03170; TOPMed 0.03460.
gnomAD v4.1: 6,697 of 746,802 alleles (0.9%); highest among the groups gnomAD compares: African/African-American, 10%; 324 homozygotes.

Submissions (2):

GeneDx
Classification: Benign. Last evaluated: 2018-06-16. Review status: criteria provided, single submitter. Criteria: GeneDx Variant Classification (06012015). Collection method: clinical testing. Allele origin: germline. Affected: yes.
Comment: This variant is considered likely benign or benign based on one or more of the following criteria: it is a conservative change, it occurs at a poorly conserved position in the protein, it is predicted to be benign by multiple in silico algorithms, and/or has population frequency not consistent with disease.

Breakthrough Genomics
Classification: Benign. Review status: criteria provided, single submitter. Criteria: ACMG Guidelines, 2015. Collection method: not provided. Allele origin: germline. Inheritance: Autosomal recessive inheritance. Affected: yes.

NM_001130987.2(DYSF):c.4528-127C>T

Gene: DYSF (dysferlin; plus strand). Cytogenetic location: 2p13.2.
Variant type: single nucleotide variant.
Coding change: c.4528-127C>T on transcript NM_001130987.2 (MANE Select); 127 bases into the intron before coding-DNA position 4528, C replaced by T.
Molecular consequence: intron variant.
Genome position (GRCh38, 1-based): chr2:71,643,838, C>T. VCF-style: chr2-71643838-C-T. GRCh37 (hg19) VCF-style: chr2-71870968-C-T.
Other names: c.4504-127C>T (NM_001130979.2); c.4525-127C>T (NM_001130981.2); c.4462-127C>T (NM_001130980.2); c.4474-127C>T (NM_001130978.2); c.4411-127C>T (NM_003494.4); c.4432-127C>T (NM_001130977.2); c.4369-127C>T (NM_001130976.2); c.4507-127C>T (NM_001130982.2); and 5 more.
Identifiers: ClinVar variation 677503 (VCV000677503.2), dbSNP rs72904631, ClinGen allele CA49750883.
Genomic context (GRCh38, chr2:71,643,838, plus strand): 5'-TCTTCCTCAGTCTGCAGTCTTTGCCCCAGGAGAGGCGGAGGTTTCCTCTCTCTGCTCCCC[C>T]ACATCACCCTTAGGAAAGCCTTGTGGTCCAGAGCGGCCTAGCAGCGGAGGGAGGGTTTCC-3'